The following is an entry in ClinVar:

NM_004287.3(GOSR2):c.-34C>T

Genes: GOSR2 (golgi SNAP receptor complex member 2; plus strand), LRRC37A2 (leucine rich repeat containing 37 member A2). Cytogenetic location: 17q21.32.
Variant type: single nucleotide variant.
Coding change: c.-34C>T on transcript NM_004287.3; 34 bases upstream of the start codon, C replaced by T.
Genome position (GRCh38, 1-based): chr17:46,923,159, C>T. VCF-style: chr17-46923159-C-T. GRCh37 (hg19) VCF-style: chr17-45000525-C-T.
Identifiers: ClinVar variation 389335 (VCV000389335.3), dbSNP rs1057523403, ClinGen allele CA16607331.
Genomic context (GRCh38, chr17:46,923,159, plus strand): 5'-GTCCTGCGACCGGAAGCCGGAAACCGGAAGGGGGGCTGTGAGGACGTGTTCCGAGGAAGC[C>T]AGAGCCGGAGCCGTGGCCTGCGGGGCCGGCGACATGGATCCCCTGTTCCAGCAAACGCAC-3'

ClinVar aggregate classification (germline): Likely benign (1 of 4 stars; one submission).

Allele frequency attached by ClinVar (database versions not stated): TOPMed 0.00001.
gnomAD v4.1: 12 of 1,412,708 alleles (0.00085%); highest among the groups gnomAD compares: Non-Finnish European, 0.00098%; no homozygotes.

Submission:

GeneDx
Classification: Likely benign. Last evaluated: 2016-09-21. Review status: criteria provided, single submitter. Criteria: GeneDx Variant Classification (06012015). Collection method: clinical testing. Allele origin: germline. Affected: yes.
Comment: This variant is considered likely benign or benign based on one or more of the following criteria: it is a conservative change, it occurs at a poorly conserved position in the protein, it is predicted to be benign by multiple in silico algorithms, and/or has population frequency not consistent with disease.